The following is an entry in ClinVar:

NM_022051.3(EGLN1):c.1270G>A (p.Asp424Asn)

Gene: EGLN1 (egl-9 family hypoxia inducible factor 1; minus strand). Cytogenetic location: 1q42.2.
Variant type: single nucleotide variant.
Coding change: c.1270G>A on transcript NM_022051.3 (MANE Select); coding-DNA position 1270, G replaced by A.
Protein change: p.Asp424Asn; replaces aspartic acid 424 with asparagine.
Molecular consequence: missense variant. On other transcripts: 3 prime UTR variant (2).
Genome position (GRCh38, 1-based): chr1:231,366,422, C>T on the plus strand (G>A on the coding strand, the complement: EGLN1 is on the minus strand). VCF-style: chr1-231366422-C-T. GRCh37 (hg19) VCF-style: chr1-231502168-C-T.
Other names: c.*50G>A (NM_001377260.1); c.*95G>A (NM_001377261.1); short protein forms D424N.
Identifiers: ClinVar variation 3227693 (VCV003227693.1), dbSNP rs2527215536, ClinGen allele CA345238252.
Genomic context (GRCh38, chr1:231,366,422, plus strand): 5'-ATAGTTAACAATATTGTAGGTGAAGTGGGGTATTGCTGGATCAAAGGCTCTAGAAGACGT[C>T]TTTACCGACCGAATCTGAAGGTTTATTGAGTTCAACCCTCACACCTTTTTCACCTGCAAG-3'
Protein context (NP_071334.1, residues 414-426): LNKPSDSVGK[Asp424Asn]VF

ClinVar aggregate classification (germline): Uncertain significance (1 of 4 stars; one submission).

Submission:

Ambry Genetics
Classification: Uncertain significance. Last evaluated: 2024-01-01. Review status: criteria provided, single submitter. Criteria: Ambry Variant Classification Scheme 2023. Collection method: clinical testing. Allele origin: germline.
Comment: The p.D424N variant (also known as c.1270G>A), located in coding exon 5 of the EGLN1 gene, results from a G to A substitution at nucleotide position 1270. The aspartic acid at codon 424 is replaced by asparagine, an amino acid with highly similar properties. This amino acid position is conserved. In addition, this alteration is predicted to be tolerated by in silico analysis. Since supporting evidence is limited at this time, the clinical significance of this alteration remains unclear.